The following is an entry in ClinVar:

NM_012434.5(SLC17A5):c.1138G>A (p.Val380Ile)

Gene: SLC17A5 (solute carrier family 17 member 5; minus strand). Cytogenetic location: 6q13.
Variant type: single nucleotide variant.
Coding change: c.1138G>A on transcript NM_012434.5 (MANE Select); coding-DNA position 1138, G replaced by A.
Protein change: p.Val380Ile; replaces valine 380 with isoleucine.
Molecular consequence: missense variant.
Genome position (GRCh38, 1-based): chr6:73,610,521, C>T on the plus strand (G>A on the coding strand, the complement: SLC17A5 is on the minus strand). VCF-style: chr6-73610521-C-T. GRCh37 (hg19) VCF-style: chr6-74320244-C-T.
Other names: short protein forms V380I.
Identifiers: ClinVar variation 568458 (VCV000568458.7), dbSNP rs201724072, ClinGen allele CA3890335.

ClinVar aggregate classification (germline): Uncertain significance. Review status: criteria provided, single submitter (1 of 4 stars). 2 submissions from 2 submitters: Uncertain significance (1). 1 of the submissions does not count toward it. Last evaluated 2022-08-09.

Conditions:
Salla disease (SD). Also called: Less Severe FSASD (Salla Disease); Sialuria, Finnish type; N-acetylneuraminic acid (NANA) storage disease (NSD); Infantile sialic acid storage disorder (ISSD). Identifiers: Orphanet 309334, Orphanet 834, MedGen C1096903, MONDO:0011449, OMIM 604369.

Allele frequency attached by ClinVar (database versions not stated): TOPMed below 0.00001; ExAC 0.00001; gnomAD 0.00001; gnomAD exomes 0.00002 and 0.00004; 1000 Genomes Project 30x 0.00016; 1000 Genomes Project 0.00020.

Submissions (2):

Labcorp Genetics (formerly Invitae), Labcorp
Classification: Uncertain significance for Salla disease. Last evaluated: 2022-08-09. Review status: criteria provided, single submitter. Criteria: Invitae Variant Classification Sherloc (09022015). Collection method: clinical testing. Allele origin: germline.
Comment: This sequence change replaces valine, which is neutral and non-polar, with isoleucine, which is neutral and non-polar, at codon 380 of the SLC17A5 protein (p.Val380Ile). This variant is present in population databases (rs201724072, gnomAD 0.004%). This variant has not been reported in the literature in individuals affected with SLC17A5-related conditions. ClinVar contains an entry for this variant (Variation ID: 568458). Algorithms developed to predict the effect of missense changes on protein structure and function output the following: SIFT: "Deleterious"; PolyPhen-2: "Benign"; Align-GVGD: "Class C0". The isoleucine amino acid residue is found in multiple mammalian species, which suggests that this missense change does not adversely affect protein function. In summary, the available evidence is currently insufficient to determine the role of this variant in disease. Therefore, it has been classified as a Variant of Uncertain Significance.

Natera, Inc.
Classification: Uncertain significance for Salla disease. Last evaluated: 2019-11-11. Review status: no assertion criteria provided. Collection method: clinical testing. Allele origin: germline. Not counted in ClinVar's aggregate classification.